The following is an entry in ClinVar:

ClinVar aggregate classification (germline): Uncertain significance. Review status: criteria provided, single submitter (1 of 4 stars). 2 submissions from 2 submitters: Uncertain significance (1). 1 of the submissions does not count toward it. Last evaluated 2025-12-22.

Conditions:
SEMA3E-related disorder. Also called: SEMA3E-related condition.
CHARGE syndrome (CHARGE). Also called: Hittner Hirsch Kreh syndrome; CHARGE ASSOCIATION--COLOBOMA, HEART ANOMALY, CHOANAL ATRESIA, RETARDATION, GENITAL AND EAR ANOMALIES; Coloboma, heart anomaly, choanal atresia, retardation, genital and ear anomalies; CHARGE association; Hall-Hittner syndrome. Identifiers: Orphanet 138, MedGen C0265354, MONDO:0008965.

Allele frequency attached by ClinVar (database versions not stated): gnomAD 0.00003; gnomAD exomes 0.00005; ExAC 0.00015; 1000 Genomes Project 30x 0.00016; 1000 Genomes Project 0.00020.
gnomAD v4.1: 71 of 1,613,972 alleles (0.0044%); highest among the groups gnomAD compares: South Asian, 0.077%; 1 homozygote.

Submissions (2):

Labcorp Genetics (formerly Invitae), Labcorp
Classification: Uncertain significance for CHARGE syndrome. Last evaluated: 2025-12-22. Review status: criteria provided, single submitter. Criteria: Invitae Variant Classification Sherloc (09022015). Collection method: clinical testing. Allele origin: germline.
Comment: This sequence change replaces aspartic acid, which is acidic and polar, with glutamic acid, which is acidic and polar, at codon 629 of the SEMA3E protein (p.Asp629Glu). This variant is present in population databases (rs573523060, gnomAD 0.09%), and has an allele count higher than expected for a pathogenic variant. This variant has not been reported in the literature in individuals affected with SEMA3E-related conditions. ClinVar contains an entry for this variant (Variation ID: 2959832). Invitae Evidence Modeling of protein sequence and biophysical properties (such as structural, functional, and spatial information, amino acid conservation, physicochemical variation, residue mobility, and thermodynamic stability) indicates that this missense variant is not expected to disrupt SEMA3E protein function with a negative predictive value of 80%. In summary, the available evidence is currently insufficient to determine the role of this variant in disease. Therefore, it has been classified as a Variant of Uncertain Significance.

PreventionGenetics, part of Exact Sciences
Classification: Likely benign for SEMA3E-related condition. Last evaluated: 2022-02-04. Review status: no assertion criteria provided. Collection method: clinical testing. Allele origin: germline. Not counted in ClinVar's aggregate classification.
Comment: This variant is classified as likely benign based on ACMG/AMP sequence variant interpretation guidelines (Richards et al. 2015 PMID: 25741868, with internal and published modifications).

NM_012431.3(SEMA3E):c.1887T>A (p.Asp629Glu)

Gene: SEMA3E (semaphorin 3E; minus strand). Cytogenetic location: 7q21.11.
Variant type: single nucleotide variant.
Coding change: c.1887T>A on transcript NM_012431.3 (MANE Select); coding-DNA position 1887, T replaced by A.
Protein change: p.Asp629Glu; replaces aspartic acid 629 with glutamic acid.
Molecular consequence: missense variant.
Genome position (GRCh38, 1-based): chr7:83,368,027, A>T on the plus strand (T>A on the coding strand, the complement: SEMA3E is on the minus strand). VCF-style: chr7-83368027-A-T. GRCh37 (hg19) VCF-style: chr7-82997343-A-T.
Other names: c.1707T>A, p.Asp569Glu (NM_001178129.2); c.1887T>A (NM_012431.2); short protein forms D569E, D629E.
Identifiers: ClinVar variation 2959832 (VCV002959832.4), dbSNP rs573523060, ClinGen allele CA4321861.